The following is an entry in ClinVar:

NM_024675.4(PALB2):c.3445G>T (p.Ala1149Ser)

Gene: PALB2 (partner and localizer of BRCA2; minus strand). Cytogenetic location: 16p12.2.
Variant type: single nucleotide variant.
Coding change: c.3445G>T on transcript NM_024675.4 (MANE Select); coding-DNA position 3445, G replaced by T.
Protein change: p.Ala1149Ser; replaces alanine 1149 with serine.
Molecular consequence: missense variant. On other transcripts: 3 prime UTR variant (5).
Genome position (GRCh38, 1-based): chr16:23,603,575, C>A on the plus strand (G>T on the coding strand, the complement: PALB2 is on the minus strand). VCF-style: chr16-23603575-C-A. GRCh37 (hg19) VCF-style: chr16-23614896-C-A.
Other names: c.3385G>T, p.Ala1129Ser (NM_001407296.1); c.3373G>T, p.Ala1125Ser (NM_001407297.1); c.3283G>T, p.Ala1095Ser (NM_001407298.1); c.3208G>T, p.Ala1070Ser (NM_001407299.1); c.3166G>T, p.Ala1056Ser (NM_001407300.1); c.*80G>T (NM_001407301.1, NM_001407302.1, NM_001407310.1 and 2 more transcripts); c.2560G>T, p.Ala854Ser (NM_001407304.1, NM_001407305.1, NM_001407306.1); c.2398G>T, p.Ala800Ser (NM_001407307.1); and 3 more; short protein forms A1095S, A1125S, A553S, A775S, A800S, A1149S, A1056S, A1129S.
Identifiers: ClinVar variation 2567564 (VCV002567564.2), dbSNP rs2142253674, ClinGen allele CA395138115.

ClinVar aggregate classification (germline): Uncertain significance (1 of 4 stars; one submission).

Conditions:
Hereditary cancer-predisposing syndrome. Also called: Hereditary neoplastic syndrome; Hereditary Cancer Syndrome; Neoplastic Syndromes, Hereditary; Tumor predisposition. Identifiers: Orphanet 140162, MedGen C0027672, MeSH D009386, MONDO:0015356.

Submission:

Ambry Genetics
Classification: Uncertain significance for Hereditary cancer-predisposing syndrome. Last evaluated: 2023-04-03. Review status: criteria provided, single submitter. Criteria: Ambry Variant Classification Scheme 2023. Collection method: clinical testing. Allele origin: germline.
Comment: The p.A1149S variant (also known as c.3445G>T), located in coding exon 13 of the PALB2 gene, results from a G to T substitution at nucleotide position 3445. The alanine at codon 1149 is replaced by serine, an amino acid with similar properties. This amino acid position is conserved. In addition, this alteration is predicted to be tolerated by in silico analysis. Since supporting evidence is limited at this time, the clinical significance of this alteration remains unclear.